The following is an entry in ClinVar:

ClinVar aggregate classification (germline): Uncertain significance (1 of 4 stars; one submission).

Conditions:
Inflammatory bowel disease 25. Also called: Inflammatory bowel disease 25, early onset, autosomal recessive. Identifiers: Orphanet 238569, MedGen C2675508, MONDO:0012941, OMIM 612567.

Allele frequency attached by ClinVar (database versions not stated): gnomAD exomes below 0.00001.
gnomAD v4.1: 1 of 1,613,928 alleles (0.000062%); highest among the groups gnomAD compares: South Asian, 0.0011%; no homozygotes.

Submission:

Labcorp Genetics (formerly Invitae), Labcorp
Classification: Uncertain significance for Inflammatory bowel disease 25. Last evaluated: 2019-11-15. Review status: criteria provided, single submitter. Criteria: Invitae Variant Classification Sherloc (09022015). Collection method: clinical testing. Allele origin: germline.
Comment: This sequence change replaces arginine with serine at codon 179 of the IL10RB protein (p.Arg179Ser). The arginine residue is moderately conserved and there is a moderate physicochemical difference between arginine and serine. This variant is not present in population databases (ExAC no frequency). This variant has not been reported in the literature in individuals with IL10RB-related conditions. Algorithms developed to predict the effect of missense changes on protein structure and function (SIFT, PolyPhen-2, Align-GVGD) all suggest that this variant is likely to be tolerated, but these predictions have not been confirmed by published functional studies and their clinical significance is uncertain. In summary, the available evidence is currently insufficient to determine the role of this variant in disease. Therefore, it has been classified as a Variant of Uncertain Significance.

NM_000628.5(IL10RB):c.537A>C (p.Arg179Ser)

Genes: IFNAR2-IL10RB (IFNAR2-IL10RB readthrough; plus strand), IL10RB (interleukin 10 receptor subunit beta; plus strand). Cytogenetic location: 21q22.11.
Variant type: single nucleotide variant.
Coding change: c.537A>C on transcript NM_000628.5 (MANE Select); coding-DNA position 537, A replaced by C.
Protein change: p.Arg179Ser; replaces arginine 179 with serine.
Molecular consequence: missense variant.
Genome position (GRCh38, 1-based): chr21:33,283,132, A>C. VCF-style: chr21-33283132-A-C. GRCh37 (hg19) VCF-style: chr21-34655437-A-C.
Other names: short protein forms R179S.
Identifiers: ClinVar variation 965139 (VCV000965139.10), dbSNP rs1989309241, ClinGen allele CA410110215.
Genomic context (GRCh38, chr21:33,283,132, plus strand): 5'-TTATTTTTGTCTCCATTACTAGTTTCAAATTACTCCCCAGTATGACTTTGAGGTCCTCAG[A>C]AACCTGGAGCCATGGACAACTTATTGTGTTCAAGTTCGAGGGTTTCTTCCTGATCGGAAC-3'
Protein context (NP_000619.3, residues 169-189): ITPQYDFEVL[Arg179Ser]NLEPWTTYCV